The following is an entry in ClinVar:

ClinVar aggregate classification (germline): Uncertain significance (1 of 4 stars; one submission).

gnomAD v4.1: 1 of 1,613,648 alleles (0.000062%); highest among the groups gnomAD compares: Admixed American, 0.0017%; no homozygotes.

Submission:

GeneDx
Classification: Uncertain significance. Last evaluated: 2025-03-24. Review status: criteria provided, single submitter. Criteria: GeneDx Variant Classification Process June 2021. Collection method: clinical testing. Allele origin: germline. Affected: yes.
Comment: Not observed at significant frequency in large population cohorts (gnomAD); In silico analysis indicates that this missense variant does not alter protein structure/function; Has not been previously published as pathogenic or benign to our knowledge

NM_024513.4(FYCO1):c.2373G>C (p.Gln791His)

Gene: FYCO1 (FYVE and coiled-coil domain autophagy adaptor 1; minus strand). Cytogenetic location: 3p21.31.
Variant type: single nucleotide variant.
Coding change: c.2373G>C on transcript NM_024513.4 (MANE Select); coding-DNA position 2373, G replaced by C.
Protein change: p.Gln791His; replaces glutamine 791 with histidine.
Molecular consequence: missense variant. On other transcripts: non-coding transcript variant (1).
Genome position (GRCh38, 1-based): chr3:45,966,961, C>G on the plus strand (G>C on the coding strand, the complement: FYCO1 is on the minus strand). VCF-style: chr3-45966961-C-G. GRCh37 (hg19) VCF-style: chr3-46008453-C-G.
Other names: c.2373G>C, p.Gln791His (NM_001386428.1, NM_001386429.1, NM_001386421.1 and 4 more transcripts); c.1773G>C, p.Gln591His (NM_001386430.1); c.2253G>C, p.Gln751His (NM_001386426.1); c.2229G>C, p.Gln743His (NM_001386427.1); short protein forms Q591H, Q791H, Q743H, Q751H.
Identifiers: ClinVar variation 4088234 (VCV004088234.1).
Genomic context (GRCh38, chr3:45,966,961, plus strand): 5'-GCTCTGCACCTTGTCCTGGTCATCCAGGGCTGCCCGCATCTTGGCCTGGAGGTCCACCAC[C>G]TGAGCCTGCAGCCGTTGGACCTCCCCCTGATGGACTTCCAGCTGCGCCTGAGACAGGGCT-3'
Protein context (NP_078789.2, residues 781-801): HQGEVQRLQA[Gln791His]VVDLQAKMRA